The following is an entry in ClinVar:

ClinVar aggregate classification (germline): Uncertain significance. Review status: criteria provided, multiple submitters, no conflicts (2 of 4 stars). 2 submissions from 2 submitters: Uncertain significance (2). Last evaluated 2026-06-09.

Conditions:
BBS10-related disorder. Also called: BBS10-related condition.

gnomAD v4.1: 1 of 1,613,690 alleles (0.000062%); highest among the groups gnomAD compares: Non-Finnish European, 0.000085%; no homozygotes.

Submissions (2):

PreventionGenetics, part of Exact Sciences
Classification: Uncertain significance for BBS10-related condition. Last evaluated: 2026-06-09. Review status: criteria provided, single submitter. Criteria: ACMG Guidelines, 2015. Collection method: clinical testing. Allele origin: germline.
Comment: The BBS10 c.143G>A variant is predicted to result in the amino acid substitution p.Ser48Asn. To our knowledge, this variant has not been reported in the literature or in a large population database (gnomAD), indicating this variant is rare. At this time, the clinical significance of this variant is uncertain due to the absence of conclusive functional and genetic evidence.

Blueprint Genetics
Classification: Uncertain significance. Last evaluated: 2020-11-05. Review status: criteria provided, single submitter. Criteria: ACMG Guidelines, 2015. Collection method: clinical testing. Allele origin: germline.

NM_024685.4(BBS10):c.143G>A (p.Ser48Asn)

Gene: BBS10 (Bardet-Biedl syndrome 10; minus strand). Cytogenetic location: 12q21.2.
Variant type: single nucleotide variant.
Coding change: c.143G>A on transcript NM_024685.4 (MANE Select); coding-DNA position 143, G replaced by A.
Protein change: p.Ser48Asn; replaces serine 48 with asparagine.
Molecular consequence: missense variant.
Genome position (GRCh38, 1-based): chr12:76,348,216, C>T on the plus strand (G>A on the coding strand, the complement: BBS10 is on the minus strand). VCF-style: chr12-76348216-C-T. GRCh37 (hg19) VCF-style: chr12-76741996-C-T.
Other names: c.143G>A (NM_024685.3); short protein forms S48N.
Identifiers: ClinVar variation 4917645 (VCV004917645.2).